The following is an entry in ClinVar:

ClinVar aggregate classification (germline): Uncertain significance (1 of 4 stars; one submission).

Allele frequency attached by ClinVar (database versions not stated): gnomAD exomes below 0.00001 and 0.00001; ExAC 0.00001; gnomAD 0.00001; TOPMed 0.00002.

Submission:

Labcorp Genetics (formerly Invitae), Labcorp
Classification: Uncertain significance. Last evaluated: 2024-10-16. Review status: criteria provided, single submitter. Criteria: Invitae Variant Classification Sherloc (09022015). Collection method: clinical testing. Allele origin: germline.
Comment: This sequence change replaces glycine, which is neutral and non-polar, with arginine, which is basic and polar, at codon 149 of the C1QC protein (p.Gly149Arg). This variant is not present in population databases (gnomAD no frequency). This variant has not been reported in the literature in individuals affected with C1QC-related conditions. ClinVar contains an entry for this variant (Variation ID: 1525306). An algorithm developed to predict the effect of missense changes on protein structure and function (PolyPhen-2) suggests that this variant¬†is likely to be tolerated. In summary, the available evidence is currently insufficient to determine the role of this variant in disease. Therefore, it has been classified as a Variant of Uncertain Significance.

NM_172369.5(C1QC):c.445G>A (p.Gly149Arg)

Gene: C1QC (complement C1q C chain; plus strand). Cytogenetic location: 1p36.12.
Variant type: single nucleotide variant.
Coding change: c.445G>A on transcript NM_172369.5 (MANE Select); coding-DNA position 445, G replaced by A.
Protein change: p.Gly149Arg; replaces glycine 149 with arginine.
Molecular consequence: missense variant.
Genome position (GRCh38, 1-based): chr1:22,647,490, G>A. VCF-style: chr1-22647490-G-A. GRCh37 (hg19) VCF-style: chr1-22973983-G-A.
Other names: c.445G>A, p.Gly149Arg (NM_001114101.3, NM_001347619.2); c.178G>A, p.Gly60Arg (NM_001347620.2); short protein forms G149R, G60R.
Identifiers: ClinVar variation 1525306 (VCV001525306.7), dbSNP rs1052042, ClinGen allele CA677979.